The following is an entry in ClinVar:

ClinVar aggregate classification (germline): Uncertain significance (1 of 4 stars; one submission).

Conditions:
Inborn genetic diseases. Identifiers: MedGen C0950123, MeSH D030342.

Allele frequency attached by ClinVar (database versions not stated): gnomAD exomes below 0.00001.
gnomAD v4.1: 2 of 1,614,128 alleles (0.00012%); highest among the groups gnomAD compares: South Asian, 0.0022%; no homozygotes.

Submission:

Ambry Genetics
Classification: Uncertain significance for Inborn genetic diseases. Last evaluated: 2022-07-30. Review status: criteria provided, single submitter. Criteria: Ambry Variant Classification Scheme 2023. Collection method: clinical testing. Allele origin: germline.
Comment: The p.P48L variant (also known as c.143C>T), located in coding exon 2 of the MDH2 gene, results from a C to T substitution at nucleotide position 143. The proline at codon 48 is replaced by leucine, an amino acid with similar properties. This amino acid position is conserved. In addition, this alteration is predicted to be tolerated by in silico analysis. Since supporting evidence is limited at this time, the clinical significance of this alteration remains unclear.

NM_005918.4(MDH2):c.143C>T (p.Pro48Leu)

Gene: MDH2 (malate dehydrogenase 2; plus strand). Cytogenetic location: 7q11.23.
Variant type: single nucleotide variant.
Coding change: c.143C>T on transcript NM_005918.4 (MANE Select); coding-DNA position 143, C replaced by T.
Protein change: p.Pro48Leu; replaces proline 48 with leucine.
Molecular consequence: missense variant. On other transcripts: intron variant (1).
Genome position (GRCh38, 1-based): chr7:76,054,906, C>T. VCF-style: chr7-76054906-C-T. GRCh37 (hg19) VCF-style: chr7-75684224-C-T.
Other names: c.143C>T, p.Pro48Leu (NM_001282403.2); c.-86-2504C>T (NM_001282404.2); short protein forms P48L.
Identifiers: ClinVar variation 1772678 (VCV001772678.2), dbSNP rs1554585973, ClinGen allele CA367762425.